The following is an entry in ClinVar:

NM_012448.4(STAT5B):c.2020C>A (p.Pro674Thr)

Gene: STAT5B (signal transducer and activator of transcription 5B; minus strand). Cytogenetic location: 17q21.2.
Variant type: single nucleotide variant.
Coding change: c.2020C>A on transcript NM_012448.4 (MANE Select); coding-DNA position 2020, C replaced by A.
Protein change: p.Pro674Thr; replaces proline 674 with threonine.
Molecular consequence: missense variant.
Genome position (GRCh38, 1-based): chr17:42,207,615, G>T on the plus strand (C>A on the coding strand, the complement: STAT5B is on the minus strand). VCF-style: chr17-42207615-G-T. GRCh37 (hg19) VCF-style: chr17-40359633-G-T.
Other names: short protein forms P674T.
Identifiers: ClinVar variation 4740524 (VCV004740524.1).

ClinVar aggregate classification (germline): Uncertain significance (1 of 4 stars; one submission).

Conditions:
Growth hormone insensitivity with immune dysregulation 1, autosomal recessive. Also called: Laron syndrome with immunodeficiency; GROWTH HORMONE INSENSITIVITY DUE TO POSTRECEPTOR DEFECT; LARON SYNDROME DUE TO POSTRECEPTOR DEFECT; GROWTH HORMONE INSENSITIVITY SYNDROME WITH IMMUNE DYSREGULATION 1, AUTOSOMAL RECESSIVE. Identifiers: Orphanet 220465, MedGen C5435698, MONDO:0100211, OMIM 245590.

Submission:

Labcorp Genetics (formerly Invitae), Labcorp
Classification: Uncertain significance for Growth hormone insensitivity with immune dysregulation 1, autosomal recessive. Last evaluated: 2025-02-28. Review status: criteria provided, single submitter. Criteria: Invitae Variant Classification Sherloc (09022015). Collection method: clinical testing. Allele origin: germline.
Comment: This sequence change replaces proline, which is neutral and non-polar, with threonine, which is neutral and polar, at codon 674 of the STAT5B protein (p.Pro674Thr). This variant is not present in population databases (gnomAD no frequency). This variant has not been reported in the literature in individuals affected with STAT5B-related conditions. Invitae Evidence Modeling of protein sequence and biophysical properties (such as structural, functional, and spatial information, amino acid conservation, physicochemical variation, residue mobility, and thermodynamic stability) indicates that this missense variant is not expected to disrupt STAT5B protein function with a negative predictive value of 80%. In summary, the available evidence is currently insufficient to determine the role of this variant in disease. Therefore, it has been classified as a Variant of Uncertain Significance.